The following is an entry in ClinVar:

ClinVar aggregate classification (germline): Pathogenic. Review status: no assertion criteria provided (0 of 4 stars). 2 submissions from 2 submitters: Pathogenic (2). Last evaluated 2024-02-14.

Conditions:
Intellectual disability and seizures. Identifiers: MedGen CN231403.
Poirier-Bienvenu neurodevelopmental syndrome (POBINDS). Identifiers: Orphanet 689397, MedGen C5231482, MONDO:0032889, OMIM 618732.

Submissions (2):

OMIM
Classification: Pathogenic for POIRIER-BIENVENU NEURODEVELOPMENTAL SYNDROME. Last evaluated: 2024-02-14. Review status: no assertion criteria provided. Collection method: literature only. Allele origin: germline.

Center for Medical Genetics, Keio University School of Medicine
Classification: Pathogenic for Intellectual disability and seizures. Last evaluated: 2017-06-20. Review status: no assertion criteria provided. Collection method: research. Allele origin: de novo. Inheritance: Sporadic. Affected: yes. Observed: 1 variant allele, 1 heterozygote. Study: IRUD at Keio.
Comment: A de novo frameshift mutation. The gene, CSNK2B, has been listed as a loss-of-function intolerant gene. "CSNK2B splice site mutations in patients cause intellectual disability with or withoutmyoclonic epilepsy" (DOI: 10.1002/humu.23270) Splice site mutations in CSNK2B has recently been reported as a cause of intellectual disability with or without myoclonic epilepsy.

Literature cited by the submitters: PubMed 28762608 (cited by OMIM).

NM_001320.7(CSNK2B):c.108dup (p.Thr37fs)

Gene: CSNK2B (casein kinase 2 beta; plus strand). Cytogenetic location: 6p21.33.
Variant type: Duplication.
Coding change: c.108dup on transcript NM_001320.7 (MANE Select); coding-DNA position 108, one base duplicated (T; older notation c.108dupT).
Protein change: p.Thr37fs; shifts the reading frame from threonine 37.
Molecular consequence: frameshift variant.
Genome position (GRCh38, 1-based): chr6:31,667,903, T duplicated; the last of 2 consecutive T bases (chr6:31,667,902-31,667,903); duplicating either gives the same sequence. VCF-style (leftmost placement, unchanged base first): chr6-31667901-C-CT. GRCh37 (hg19) VCF-style: chr6-31635678-C-CT.
Other names: CSNK2B; 1-BUP DUP, NT108; c.108dup, p.Thr37fs (NM_001282385.2); short protein forms T37fs.
Identifiers: ClinVar variation 430724 (VCV000430724.5), dbSNP rs1131692161, ClinGen allele CA645372425.
Genomic context (GRCh38, chr6:31,667,901, plus strand): 5'-TCCCTCTTGGCTTCCATGTCCTGACAGGTGGATGAAGACTACATCCAGGACAAATTTAAT[C>CT]TTACTGGACTCAATGAGCAGGTCCCTCACTATCGACAAGCTCTAGACATGATCTTGGACC-3'